The following is an entry in ClinVar:

NM_000158.4(GBE1):c.1338del (p.Glu449fs)

Gene: GBE1 (1,4-alpha-glucan branching enzyme 1; minus strand). Cytogenetic location: 3p12.2.
Variant type: Deletion.
Coding change: c.1338del on transcript NM_000158.4 (MANE Select); coding-DNA position 1338, one base deleted (A; older notation c.1338delA).
Protein change: p.Glu449fs; shifts the reading frame from glutamic acid 449.
Molecular consequence: frameshift variant.
Genome position (GRCh38, 1-based): chr3:81,581,273, T deleted on the plus strand (A on the coding strand, the reverse complement: GBE1 is on the minus strand). VCF-style (leftmost placement, unchanged base first): chr3-81581272-GT-G. GRCh37 (hg19) VCF-style: chr3-81630423-GT-G.
Other names: short protein forms E449fs.
Identifiers: ClinVar variation 5012863 (VCV005012863.1).

ClinVar aggregate classification (germline): Pathogenic (1 of 4 stars; one submission).

Conditions:
Glycogen storage disease, type IV (GSD4). Also called: AMYLOPECTINOSIS; ANDERSEN DISEASE; BRANCHER DEFICIENCY; CIRRHOSIS, FAMILIAL, WITH DEPOSITION OF ABNORMAL GLYCOGEN; GBE1 DEFICIENCY; GLYCOGEN BRANCHING ENZYME DEFICIENCY. Identifiers: Orphanet 367, MedGen C0017923, MONDO:0009292, OMIM 232500.

Submission:

Myriad Genetics, Inc.
Classification: Pathogenic for Glycogen storage disease, type IV. Last evaluated: 2024-03-25. Review status: criteria provided, single submitter. Criteria: Myriad Autosomal Dominant, Autosomal Recessive and X-Linked Classification Criteria (2023). Collection method: clinical testing. Allele origin: unknown.
Comment: NM_000158.3(GBE1):c.1338delA(E449Sfs*12) is expected to be pathogenic in the context of glycogen storage disease, GBE1-related. This variant is predicted to lead to an abnormal or absent protein product due to the creation of a premature termination codon in GBE1, a gene where loss-of-function variants are known to be pathogenic. Please note: this variant was assessed in the context of healthy population screening.